The following is an entry in ClinVar:

ClinVar aggregate classification (germline): Likely benign (1 of 4 stars; one submission).

Allele frequency attached by ClinVar (database versions not stated): TOPMed 0.00108; gnomAD 0.00143; ESP Exome Variant Server 0.00146; gnomAD exomes 0.00209; ExAC 0.00267; 1000 Genomes Project 30x 0.00328; 1000 Genomes Project 0.00399.
gnomAD v4.1: 3,237 of 1,599,320 alleles (0.2%); highest among the groups gnomAD compares: South Asian, 0.81%; 25 homozygotes.

Submission:

CeGaT Center for Human Genetics Tuebingen
Classification: Likely benign. Last evaluated: 2022-11-01. Review status: criteria provided, single submitter. Criteria: CeGaT Center For Human Genetics Tuebingen Variant Classification Criteria Version 2. Collection method: clinical testing. Allele origin: germline. Affected: yes. Observed: 1 variant allele.
Comment: MTBP: BP4, BS2

NM_022045.5(MTBP):c.1432T>G (p.Leu478Val)

Gene: MTBP (MDM2 binding protein; plus strand). Cytogenetic location: 8q24.12.
Variant type: single nucleotide variant.
Coding change: c.1432T>G on transcript NM_022045.5 (MANE Select); coding-DNA position 1432, T replaced by G.
Protein change: p.Leu478Val; replaces leucine 478 with valine.
Molecular consequence: missense variant.
Genome position (GRCh38, 1-based): chr8:120,490,555, T>G. VCF-style: chr8-120490555-T-G. GRCh37 (hg19) VCF-style: chr8-121502795-T-G.
Other names: short protein forms L478V.
Identifiers: ClinVar variation 2658787 (VCV002658787.24), dbSNP rs148151530, ClinGen allele CA4860940.